The following is an entry in ClinVar:

NM_144573.4(NEXN):c.237T>C (p.Ala79=)

Gene: NEXN (nexilin F-actin binding protein; plus strand). Cytogenetic location: 1p31.1.
Variant type: single nucleotide variant.
Coding change: c.237T>C on transcript NM_144573.4 (MANE Select); coding-DNA position 237, T replaced by C.
Protein change: p.Ala79=; no amino-acid change (alanine 79 retained).
Molecular consequence: synonymous variant.
Genome position (GRCh38, 1-based): chr1:77,917,977, T>C. VCF-style: chr1-77917977-T-C. GRCh37 (hg19) VCF-style: chr1-78383662-T-C.
Other names: c.45T>C, p.Ala15= (NM_001172309.2).
Identifiers: ClinVar variation 178935 (VCV000178935.18), dbSNP rs727504549, ClinGen allele CA183347.
Genomic context (GRCh38, chr1:77,917,977, plus strand): 5'-AATTTTTGGACATGTGCTCACATTAATTTATTTAACCATCTAGATTAAAGAAATGCTTGC[T>C]TCTGATGATGAGGAAGATGTATCTTCTAAAGTAGAAAAGGCTTATGTTCCAAAATTAACA-3'
Protein context (NP_653174.3, residues 69-89): RRKQEIKEML[Ala79=]SDDEEDVSSK

ClinVar aggregate classification (germline): Likely benign. Review status: criteria provided, multiple submitters, no conflicts (2 of 4 stars). 3 submissions from 3 submitters: Likely benign (3). Last evaluated 2026-01-25.

Conditions:
Cardiovascular phenotype. Identifiers: MedGen CN230736.
Dilated cardiomyopathy 1CC (CMD1CC). Identifiers: Orphanet 154, MedGen C2751084, MONDO:0013147, OMIM 613122.
Hypertrophic cardiomyopathy 20. Identifiers: MedGen C3151267, MONDO:0013477, OMIM 613876.

Allele frequency attached by ClinVar (database versions not stated): gnomAD 0.00001 and 0.00003; ExAC 0.00002; TOPMed 0.00002; gnomAD exomes 0.00003 and 0.00004.
gnomAD v4.1: 53 of 1,612,974 alleles (0.0033%); highest among the groups gnomAD compares: Non-Finnish European, 0.0016%; no homozygotes.

Submissions (3):

Labcorp Genetics (formerly Invitae), Labcorp
Classification: Likely benign for Dilated cardiomyopathy 1CC; Hypertrophic cardiomyopathy 20. Last evaluated: 2026-01-25. Review status: criteria provided, single submitter. Criteria: Invitae Variant Classification Sherloc (09022015). Collection method: clinical testing. Allele origin: germline.

Ambry Genetics
Classification: Likely benign for Cardiovascular phenotype. Last evaluated: 2015-09-08. Review status: criteria provided, single submitter. Criteria: Ambry Variant Classification Scheme 2023. Collection method: clinical testing. Allele origin: germline.

Laboratory for Molecular Medicine, Mass General Brigham Personalized Medicine
Classification: Likely benign. Last evaluated: 2013-04-10. Review status: criteria provided, single submitter. Criteria: LMM Criteria. Collection method: clinical testing. Allele origin: germline. Observed: 2 variant alleles.
Comment: Ala79Ala in exon 4 of NEXN: This variant is not expected to have clinical signif icance because it does not alter an amino acid residue and is not located within the splice consensus sequence. Ala79Ala in exon 4 of NEXN (allele frequency = n/a)